The following is an entry in ClinVar:

ClinVar aggregate classification (germline): Pathogenic (1 of 4 stars; one submission).

Submission:

GeneDx
Classification: Pathogenic. Last evaluated: 2024-06-14. Review status: criteria provided, single submitter. Criteria: GeneDx Variant Classification Process June 2021. Collection method: clinical testing. Allele origin: germline. Affected: yes.
Comment: Nonsense variant predicted to result in protein truncation or nonsense mediated decay in a gene for which loss of function is a known mechanism of disease; Not observed at significant frequency in large population cohorts (gnomAD); Has not been previously published as pathogenic or benign to our knowledge; Reported as c.2749C>T p.(R917*) using an alternate transcript of the gene (NM_013436.5)

NM_013436.5(NCKAP1):c.2749C>T (p.Arg917Ter)

Gene: NCKAP1 (NCK associated protein 1; minus strand). Cytogenetic location: 2q32.1.
Variant type: single nucleotide variant.
Coding change: c.2749C>T on transcript NM_013436.5 (MANE Select); coding-DNA position 2749, C replaced by T.
Protein change: p.Arg917Ter; replaces arginine 917 with a stop codon.
Molecular consequence: nonsense.
Genome position (GRCh38, 1-based): chr2:182,935,322, G>A on the plus strand (C>T on the coding strand, the complement: NCKAP1 is on the minus strand). VCF-style: chr2-182935322-G-A. GRCh37 (hg19) VCF-style: chr2-183800050-G-A.
Other names: c.2767C>T, p.Arg923Ter (NM_205842.3); short protein forms R917*, R923*.
Identifiers: ClinVar variation 3390619 (VCV003390619.1).